The following is an entry in ClinVar:

NM_170707.4(LMNA):c.740_748del (p.Glu247_Arg249del)

Gene: LMNA (lamin A/C; plus strand). Cytogenetic location: 1q22.
Variant type: Deletion.
Coding change: c.740_748del on transcript NM_170707.4 (MANE Select); coding-DNA positions 740 to 748, 9 bases deleted (AACTGCGGG; older notation c.740_748delAACTGCGGG).
Protein change: p.Glu247_Arg249del.
Molecular consequence: inframe deletion.
Genome position (GRCh38, 1-based): chr1:156,134,905-156,134,913, AACTGCGGG deleted; deleting any 9 consecutive bases within chr1:156,134,903-156,134,913 gives the same sequence; the c. name uses the placement nearest the transcript's 3' end. VCF-style (leftmost placement, unchanged base first): chr1-156134902-AGGAACTGCG-A. GRCh37 (hg19) VCF-style: chr1-156104693-AGGAACTGCG-A.
Other names: c.404_412del, p.Glu135_Arg137del (NM_001257374.3); c.497_505del, p.Glu166_Arg168del (NM_001282624.2); c.740_748del, p.Glu247_Arg249del (NM_001282625.2, NM_001282626.2, NM_005572.4 and 1 more transcripts).
Identifiers: ClinVar variation 646034 (VCV000646034.8), dbSNP rs1572359991, ClinGen allele CA915941458.

ClinVar aggregate classification (germline): Pathogenic (1 of 4 stars; one submission).

Conditions:
Charcot-Marie-Tooth disease type 2. Also called: Charcot-Marie-Tooth type 2. Identifiers: Orphanet 64746, MedGen C0270914, MONDO:0018993.

Submission:

Labcorp Genetics (formerly Invitae), Labcorp
Classification: Pathogenic for Charcot-Marie-Tooth disease type 2. Last evaluated: 2024-04-24. Review status: criteria provided, single submitter. Criteria: Invitae Variant Classification Sherloc (09022015). Collection method: clinical testing. Allele origin: germline.
Comment: This variant, c.740_748del, results in the deletion of 3 amino acid(s) of the LMNA protein (p.Glu247_Arg249del), but otherwise preserves the integrity of the reading frame. This variant is not present in population databases (gnomAD no frequency). This variant has not been reported in the literature in individuals affected with LMNA-related conditions. ClinVar contains an entry for this variant (Variation ID: 646034). Experimental studies and prediction algorithms are not available or were not evaluated, and the functional significance of this variant is currently unknown. This variant disrupts a region of the LMNA protein in which other variant(s) (p.Arg249Trp) have been determined to be pathogenic (PMID: 18551513, 20848652, 20886652, 21632249, 24508248, 24656463, 26098624, 29893365). This suggests that this is a clinically significant region of the protein, and that variants that disrupt it are likely to be disease-causing. For these reasons, this variant has been classified as Pathogenic.

Literature cited by the submitters: PubMed 18551513; PubMed 20848652; PubMed 20886652; PubMed 21632249; PubMed 24508248; PubMed 24656463; PubMed 26098624; PubMed 29893365.